The following is an entry in ClinVar:

NM_001291415.2(KDM6A):c.269A>G (p.Lys90Arg)

Gene: KDM6A (lysine demethylase 6A; plus strand). Cytogenetic location: Xp11.3.
Variant type: single nucleotide variant.
Coding change: c.269A>G on transcript NM_001291415.2 (MANE Select); coding-DNA position 269, A replaced by G.
Protein change: p.Lys90Arg; replaces lysine 90 with arginine.
Molecular consequence: missense variant. On other transcripts: 5 prime UTR variant (1), non-coding transcript variant (1).
Genome position (GRCh38, 1-based): chrX:44,961,327, A>G. VCF-style: chrX-44961327-A-G. GRCh37 (hg19) VCF-style: chrX-44820572-A-G.
Other names: c.269A>G, p.Lys90Arg (NM_001291416.2, NM_001291417.2, NM_001291418.2 and 9 more transcripts); c.-364A>G (NM_001291421.2); short protein forms K90R.
Identifiers: ClinVar variation 2663678 (VCV002663678.1), dbSNP rs2147169032, ClinGen allele CA413020931.
Genomic context (GRCh38, chrX:44,961,327, plus strand): 5'-TATTTTTTTATTTCTAGGCTGTTCGCTGCTATGAATCTCTAATCTTAAAAGCTGAAGGAA[A>G]AGTGGAGTCTGATTTCTTTTGTCAATTAGGTCACTTCAACCTCTTATTGGAAGATTATCC-3'
Protein context (NP_001278344.1, residues 80-100): YESLILKAEG[Lys90Arg]VESDFFCQLG

ClinVar aggregate classification (germline): Uncertain significance (1 of 4 stars; one submission).

Submission:

GeneDx
Classification: Uncertain significance. Last evaluated: 2023-04-28. Review status: criteria provided, single submitter. Criteria: GeneDx Variant Classification Process June 2021. Collection method: clinical testing. Allele origin: germline. Affected: yes.
Comment: Not observed at significant frequency in large population cohorts (gnomAD); In silico analysis supports that this missense variant has a deleterious effect on protein structure/function; Has not been previously published as pathogenic or benign to our knowledge